The following is an entry in ClinVar:

NM_000836.4(GRIN2D):c.1033G>C (p.Gly345Arg)

Gene: GRIN2D (glutamate ionotropic receptor NMDA type subunit 2D; plus strand). Cytogenetic location: 19q13.33.
Variant type: single nucleotide variant.
Coding change: c.1033G>C on transcript NM_000836.4 (MANE Select); coding-DNA position 1033, G replaced by C.
Protein change: p.Gly345Arg; replaces glycine 345 with arginine.
Molecular consequence: missense variant.
Genome position (GRCh38, 1-based): chr19:48,405,301, G>C. VCF-style: chr19-48405301-G-C. GRCh37 (hg19) VCF-style: chr19-48908558-G-C.
Other names: short protein forms G345R.
Identifiers: ClinVar variation 5008764 (VCV005008764.1).

ClinVar aggregate classification (germline): Uncertain significance (1 of 4 stars; one submission).

Submission:

GeneDx
Classification: Uncertain significance. Last evaluated: 2026-03-06. Review status: criteria provided, single submitter. Criteria: GeneDx Variant Classification Process June 2021. Collection method: clinical testing. Allele origin: germline.
Comment: In silico analysis suggests that this missense variant does not alter protein structure/function; Has not been previously published as pathogenic or benign to our knowledge; Not observed at significant frequency in large population cohorts (gnomAD)